The following is an entry in ClinVar:

NM_000422.3(KRT17):c.1101C>A (p.Tyr367Ter)

Gene: KRT17 (keratin 17; minus strand). Cytogenetic location: 17q21.2.
Variant type: single nucleotide variant.
Coding change: c.1101C>A on transcript NM_000422.3 (MANE Select); coding-DNA position 1101, C replaced by A.
Protein change: p.Tyr367Ter; replaces tyrosine 367 with a stop codon.
Molecular consequence: nonsense.
Genome position (GRCh38, 1-based): chr17:41,620,739, G>T on the plus strand (C>A on the coding strand, the complement: KRT17 is on the minus strand). VCF-style: chr17-41620739-G-T. GRCh37 (hg19) VCF-style: chr17-39776991-G-T.
Other names: short protein forms Y367*.
Identifiers: ClinVar variation 1701322 (VCV001701322.31), dbSNP rs2144612644, ClinGen allele CA399503646.

ClinVar aggregate classification (germline): Uncertain significance (1 of 4 stars; one submission).

Submission:

CeGaT Center for Human Genetics Tuebingen
Classification: Uncertain significance. Last evaluated: 2022-07-01. Review status: criteria provided, single submitter. Criteria: CeGaT Center For Human Genetics Tuebingen Variant Classification Criteria Version 2. Collection method: clinical testing. Allele origin: germline. Affected: yes. Observed: 1 variant allele.
Comment: KRT17: PM2